The following is an entry in ClinVar:

NM_152703.5(SAMD9L):c.2730A>T (p.Lys910Asn)

Gene: SAMD9L (sterile alpha motif domain containing 9 like; minus strand). Cytogenetic location: 7q21.2.
Variant type: single nucleotide variant.
Coding change: c.2730A>T on transcript NM_152703.5 (MANE Select); coding-DNA position 2730, A replaced by T.
Protein change: p.Lys910Asn; replaces lysine 910 with asparagine.
Molecular consequence: missense variant.
Genome position (GRCh38, 1-based): chr7:93,133,242, T>A on the plus strand (A>T on the coding strand, the complement: SAMD9L is on the minus strand). VCF-style: chr7-93133242-T-A. GRCh37 (hg19) VCF-style: chr7-92762555-T-A.
Other names: c.2730A>T, p.Lys910Asn (NM_001303496.3, NM_001303497.3, NM_001303498.3 and 5 more transcripts); short protein forms K910N.
Identifiers: ClinVar variation 4159378 (VCV004159378.1).

ClinVar aggregate classification (germline): Uncertain significance (1 of 4 stars; one submission).

Conditions:
Inborn genetic diseases. Identifiers: MedGen C0950123, MeSH D030342.

Submission:

Ambry Genetics
Classification: Uncertain significance for Inborn genetic diseases. Last evaluated: 2025-08-04. Review status: criteria provided, single submitter. Criteria: Ambry Variant Classification Scheme 2023. Collection method: clinical testing. Allele origin: germline.
Comment: The p.K910N variant (also known as c.2730A>T), located in coding exon 1 of the SAMD9L gene, results from an A to T substitution at nucleotide position 2730. The lysine at codon 910 is replaced by asparagine, an amino acid with similar properties. This amino acid position is conserved. In addition, this alteration is predicted to be tolerated by in silico analysis. Based on the available evidence, the clinical significance of this variant remains unclear.